The following is an entry in ClinVar:

NM_001029896.2(WDR45):c.38G>A (p.Arg13His)

Genes: WDR45 (WD repeat domain 45; minus strand), LOC126863256 (BRD4-independent group 4 enhancer GRCh37_chrX:48934848-48936047; plus strand). Cytogenetic location: Xp11.23.
Variant type: single nucleotide variant.
Coding change: c.38G>A on transcript NM_001029896.2 (MANE Select); coding-DNA position 38, G replaced by A.
Protein change: p.Arg13His; replaces arginine 13 with histidine.
Molecular consequence: missense variant.
Genome position (GRCh38, 1-based): chrX:49,078,058, C>T on the plus strand (G>A on the coding strand, the complement: WDR45 is on the minus strand). VCF-style: chrX-49078058-C-T. GRCh37 (hg19) VCF-style: chrX-48935717-C-T.
Other names: c.38G>A, p.Arg13His (NM_007075.4); short protein forms R13H.
Identifiers: ClinVar variation 932493 (VCV000932493.49), dbSNP rs201177026, ClinGen allele CA10408642.

ClinVar aggregate classification (germline): Benign/Likely benign. Review status: criteria provided, multiple submitters, no conflicts (2 of 4 stars). 4 submissions from 4 submitters: Benign (1); Likely benign (3). Last evaluated 2025-12-09.

Conditions:
Neurodegeneration with brain iron accumulation 5 (NBIA5). Also called: Beta-propeller protein-associated neurodegeneration; STATIC ENCEPHALOPATHY OF CHILDHOOD WITH NEURODEGENERATION IN ADULTHOOD. Identifiers: Orphanet 329284, MedGen C3550973, MONDO:0010476, OMIM 300894.

Allele frequency attached by ClinVar (database versions not stated): TOPMed 0.00009; gnomAD exomes 0.00010 and 0.00024; gnomAD 0.00015 and 0.00016; 1000 Genomes Project 30x 0.00021; 1000 Genomes Project 0.00026; ESP Exome Variant Server 0.00028; ExAC 0.00031.
gnomAD v4.1: 125 of 1,210,712 alleles (0.01%); highest among the groups gnomAD compares: African/African-American, 0.01%; 1 homozygote.

Submissions (4):

Labcorp Genetics (formerly Invitae), Labcorp
Classification: Benign for Neurodegeneration with brain iron accumulation 5. Last evaluated: 2025-12-09. Review status: criteria provided, single submitter. Criteria: Invitae Variant Classification Sherloc (09022015). Collection method: clinical testing. Allele origin: germline.

Laboratory of Genetics, Children's Clinical University Hospital Latvia
Classification: Likely benign. Last evaluated: 2025-02-16. Review status: criteria provided, single submitter. Criteria: ACMG Guidelines, 2015. Collection method: clinical testing. Allele origin: germline. Affected: yes.

Blueprint Genetics
Classification: Likely benign. Last evaluated: 2024-08-05. Review status: criteria provided, single submitter. Criteria: ACMG Guidelines, 2015. Collection method: clinical testing. Allele origin: germline.

CeGaT Center for Human Genetics Tuebingen
Classification: Likely benign. Last evaluated: 2022-07-01. Review status: criteria provided, single submitter. Criteria: CeGaT Center For Human Genetics Tuebingen Variant Classification Criteria Version 2. Collection method: clinical testing. Allele origin: germline. Affected: yes. Observed: 2 variant alleles.
Comment: WDR45: BP4, BS2